The following is an entry in ClinVar:

ClinVar aggregate classification (germline): Conflicting classifications of pathogenicity. Review status: criteria provided, conflicting classifications (1 of 4 stars). 3 submissions from 3 submitters: Uncertain significance (1); Likely benign (2). Last evaluated 2026-01-20.

Conditions:
Xeroderma pigmentosum, group G (XPG). Also called: XERODERMA PIGMENTOSUM VII; XP, GROUP G; Xeroderma pigmentosum type 7; ERCC5-Related Xeroderma Pigmentosum. Identifiers: MedGen C0268141, MONDO:0010216, OMIM 278780.

Allele frequency attached by ClinVar (database versions not stated): TOPMed 0.00011; ESP Exome Variant Server 0.00015.
gnomAD v4.1: 142 of 1,612,910 alleles (0.0088%); highest among the groups gnomAD compares: Non-Finnish European, 0.012%; no homozygotes.

Submissions (3):

Labcorp Genetics (formerly Invitae), Labcorp
Classification: Likely benign. Last evaluated: 2026-01-20. Review status: criteria provided, single submitter. Criteria: Invitae Variant Classification Sherloc (09022015). Collection method: clinical testing. Allele origin: germline.

CeGaT Center for Human Genetics Tuebingen
Classification: Likely benign. Last evaluated: 2023-07-01. Review status: criteria provided, single submitter. Criteria: CeGaT Center For Human Genetics Tuebingen Variant Classification Criteria Version 2. Collection method: clinical testing. Allele origin: germline. Affected: yes. Observed: 1 variant allele.
Comment: ERCC5: BP4, BP7

Illumina Laboratory Services, Illumina
Classification: Uncertain significance for Xeroderma pigmentosum, group G. Last evaluated: 2018-01-13. Review status: criteria provided, single submitter. Criteria: ICSL Variant Classification Criteria 13 December 2019. Collection method: clinical testing. Allele origin: germline.

NM_000123.4(ERCC5):c.3492C>A (p.Thr1164=)

Genes: BIVM-ERCC5 (BIVM-ERCC5 readthrough; plus strand), ERCC5 (ERCC excision repair 5, endonuclease; plus strand). Cytogenetic location: 13q33.1.
Variant type: single nucleotide variant.
Coding change: c.3492C>A on transcript NM_000123.4 (MANE Select); coding-DNA position 3492, C replaced by A.
Protein change: p.Thr1164=; no amino-acid change (threonine 1164 retained).
Molecular consequence: synonymous variant.
Genome position (GRCh38, 1-based): chr13:102,875,834, C>A. VCF-style: chr13-102875834-C-A. GRCh37 (hg19) VCF-style: chr13-103528184-C-A.
Other names: c.4854C>A, p.Thr1618= (NM_001204425.2).
Identifiers: ClinVar variation 310943 (VCV000310943.31), dbSNP rs148782406, ClinGen allele CA7041911.